The following is an entry in ClinVar:

NM_004134.7(HSPA9):c.1933C>T (p.Leu645=)

Gene: HSPA9 (heat shock protein family A (Hsp70) member 9; minus strand). Cytogenetic location: 5q31.2.
Variant type: single nucleotide variant.
Coding change: c.1933C>T on transcript NM_004134.7 (MANE Select); coding-DNA position 1933, C replaced by T.
Protein change: p.Leu645=; no amino-acid change (leucine 645 retained).
Molecular consequence: synonymous variant.
Genome position (GRCh38, 1-based): chr5:138,556,481, G>A on the plus strand (C>T on the coding strand, the complement: HSPA9 is on the minus strand). VCF-style: chr5-138556481-G-A. GRCh37 (hg19) VCF-style: chr5-137892170-G-A.
Identifiers: ClinVar variation 1285357 (VCV001285357.5), dbSNP rs10117, ClinGen allele CA3430624.

ClinVar aggregate classification (germline): Conflicting classifications of pathogenicity. Review status: criteria provided, conflicting classifications (1 of 4 stars). 4 submissions from 4 submitters: Uncertain significance (1); Benign (3). Last evaluated 2025-12-29.

Conditions:
Even-plus syndrome (EVPLS). Also called: EPIPHYSEAL AND VERTEBRAL DYSPLASIA, MICROTIA, AND FLAT NOSE, PLUS ASSOCIATED MALFORMATIONS. Identifiers: Orphanet 496751, MedGen C4225180, MONDO:0014801, OMIM 616854.

Allele frequency attached by ClinVar (database versions not stated): gnomAD exomes 0.43091 and 0.47693; ExAC 0.48863; ESP Exome Variant Server 0.51399; gnomAD 0.51456 and 0.51956; TOPMed 0.53335; 1000 Genomes Project 30x 0.64116; 1000 Genomes Project 0.64577.
gnomAD v4.1: 710,049 of 1,612,568 alleles (44%); highest among the groups gnomAD compares: East Asian, 81%; 167,664 homozygotes.

Submissions (4):

Center for Genomic Medicine, Rigshospitalet, Copenhagen University Hospital
Classification: Benign. Last evaluated: 2025-12-29. Review status: criteria provided, single submitter. Criteria: ACMG Guidelines, 2015. Collection method: clinical testing. Allele origin: germline.
Comment: Classification criteria: BA1

Blueprint Genetics
Classification: Benign. Last evaluated: 2024-11-26. Review status: criteria provided, single submitter. Criteria: ACMG Guidelines, 2015. Collection method: clinical testing. Allele origin: germline.

Greenwood Genetic Center Diagnostic Laboratories, Greenwood Genetic Center
Classification: Uncertain significance. Last evaluated: 2023-08-25. Review status: criteria provided, single submitter. Criteria: ACMG Guidelines, 2015. Collection method: clinical testing. Allele origin: germline. Affected: yes.
Comment: PM3, BA1, BP2, BP4

Genome-Nilou Lab
Classification: Benign for Even-plus syndrome. Last evaluated: 2021-08-10. Review status: criteria provided, single submitter. Criteria: ACMG Guidelines, 2015. Collection method: clinical testing. Allele origin: germline. Affected: no.

Literature cited by the submitters: PubMed 26491070 (cited by Center for Genomic Medicine, Rigshospitalet, Copenhagen University Hospital); PubMed 33398880 (cited by Center for Genomic Medicine, Rigshospitalet, Copenhagen University Hospital).